The following is an entry in ClinVar:

ClinVar aggregate classification (germline): Uncertain significance. Review status: criteria provided, multiple submitters, no conflicts (2 of 4 stars). 3 submissions from 3 submitters: Uncertain significance (3). Last evaluated 2025-08-08.

Conditions:
Developmental and epileptic encephalopathy, 34 (DEE34). Also called: Early infantile epileptic encephalopathy 34; SLC12A5-Related Epilepsy of Infancy with Migrating Focal Seizures. Identifiers: Orphanet 293181, MedGen C4225257, MONDO:0014718, OMIM 616645.

Allele frequency attached by ClinVar (database versions not stated): ExAC 0.00001; gnomAD exomes 0.00001; gnomAD 0.00003 and 0.00004; TOPMed 0.00003.
gnomAD v4.1: 26 of 1,583,014 alleles (0.0016%); highest among the groups gnomAD compares: African/African-American, 0.018%; 1 homozygote.

Submissions (3):

Ambry Genetics
Classification: Uncertain significance. Last evaluated: 2025-08-08. Review status: criteria provided, single submitter. Criteria: Ambry Variant Classification Scheme 2023. Collection method: clinical testing. Allele origin: germline.

Labcorp Genetics (formerly Invitae), Labcorp
Classification: Uncertain significance for Developmental and epileptic encephalopathy, 34. Last evaluated: 2022-05-19. Review status: criteria provided, single submitter. Criteria: Invitae Variant Classification Sherloc (09022015). Collection method: clinical testing. Allele origin: germline.
Comment: This sequence change replaces arginine, which is basic and polar, with cysteine, which is neutral and slightly polar, at codon 780 of the SLC12A5 protein (p.Arg780Cys). This variant is present in population databases (rs757395459, gnomAD 0.007%). This variant has not been reported in the literature in individuals affected with SLC12A5-related conditions. ClinVar contains an entry for this variant (Variation ID: 1001648). Algorithms developed to predict the effect of missense changes on protein structure and function are either unavailable or do not agree on the potential impact of this missense change (SIFT: "Tolerated"; PolyPhen-2: "Possibly Damaging"; Align-GVGD: "Class C0"). In summary, the available evidence is currently insufficient to determine the role of this variant in disease. Therefore, it has been classified as a Variant of Uncertain Significance.

Blueprint Genetics
Classification: Uncertain significance. Last evaluated: 2018-09-18. Review status: criteria provided, single submitter. Criteria: ACMG Guidelines, 2015. Collection method: clinical testing. Allele origin: germline.

NM_020708.5(SLC12A5):c.2338C>T (p.Arg780Cys)

Gene: SLC12A5 (solute carrier family 12 member 5; plus strand). Cytogenetic location: 20q13.12.
Variant type: single nucleotide variant.
Coding change: c.2338C>T on transcript NM_020708.5 (MANE Select); coding-DNA position 2338, C replaced by T.
Protein change: p.Arg780Cys; replaces arginine 780 with cysteine.
Molecular consequence: missense variant.
Genome position (GRCh38, 1-based): chr20:46,051,831, C>T. VCF-style: chr20-46051831-C-T. GRCh37 (hg19) VCF-style: chr20-44680470-C-T.
Other names: c.2407C>T (NM_001134771.1); c.2407C>T, p.Arg803Cys (NM_001134771.2); short protein forms R780C, R803C.
Identifiers: ClinVar variation 1001648 (VCV001001648.9), dbSNP rs757395459, ClinGen allele CA9887572.
Genomic context (GRCh38, chr20:46,051,831, plus strand): 5'-TCCGGGGGCCTCGGGGGGCTGCAGCACAACACTGTGCTTGTTGGCTGGCCCCGCAACTGG[C>T]GCCAGAAGGAAGATCATCAGACGTGGAGGAACTTCATTGGTAACGCTATTGGGGGCTGGG-3'
Protein context (NP_065759.1, residues 770-790): TVLVGWPRNW[Arg780Cys]QKEDHQTWRN